The following is an entry in ClinVar:

NM_003072.5(SMARCA4):c.859+5G>A

Gene: SMARCA4 (SWI/SNF related BAF chromatin remodeling complex subunit ATPase 4; plus strand). Cytogenetic location: 19p13.2.
Variant type: single nucleotide variant.
Coding change: c.859+5G>A on transcript NM_003072.5 (MANE Select); 5 bases into the intron after coding-DNA position 859, G replaced by A.
Molecular consequence: intron variant.
Genome position (GRCh38, 1-based): chr19:10,987,008, G>A. VCF-style: chr19-10987008-G-A. GRCh37 (hg19) VCF-style: chr19-11097684-G-A.
Other names: c.859+5G>A (NM_001128844.3, NM_001128849.3, NM_001128847.4 and 5 more transcripts).
Identifiers: ClinVar variation 470464 (VCV000470464.22), dbSNP rs367781236, ClinGen allele CA9203593.

ClinVar aggregate classification (germline): Conflicting classifications of pathogenicity. Review status: criteria provided, conflicting classifications (1 of 4 stars). 9 submissions from 9 submitters: Uncertain significance (7); Likely benign (2). Last evaluated 2026-07-06.

Conditions:
Rhabdoid tumor predisposition syndrome 2 (RTPS2). Identifiers: Orphanet 231108, Orphanet 69077, MedGen C2750074, MONDO:0013224, OMIM 613325.
SMARCA4-related disorder. Also called: SMARCA4-related condition.
Hereditary cancer-predisposing syndrome. Also called: Tumor predisposition; Neoplastic Syndromes, Hereditary; Hereditary Cancer Syndrome; Hereditary neoplastic syndrome. Identifiers: Orphanet 140162, MedGen C0027672, MeSH D009386, MONDO:0015356.
Intellectual disability, autosomal dominant 16 (CSS4). Also called: COFFIN-SIRIS SYNDROME 4. Identifiers: Orphanet 1465, MedGen C3553249, MONDO:0013821, OMIM 614609.

Allele frequency attached by ClinVar (database versions not stated): ESP Exome Variant Server 0.00008; gnomAD exomes 0.00002; TOPMed 0.00003; ExAC 0.00001.
gnomAD v4.1: 32 of 1,597,692 alleles (0.002%); highest among the groups gnomAD compares: Admixed American, 0.005%; no homozygotes.

Submissions (9):

Myriad Genetics, Inc.
Classification: Likely benign for Rhabdoid tumor predisposition syndrome 2. Last evaluated: 2026-07-06. Review status: criteria provided, single submitter. Criteria: Myriad Autosomal Dominant, Autosomal Recessive and X-Linked Classification Criteria (2023). Collection method: clinical testing. Allele origin: unknown.
Comment: This variant is considered likely benign. This variant is intronic and is not expected to impact mRNA splicing. This variant has been observed at a population frequency that is significantly greater than expected given the associated disease prevalence and penetrance.

PreventionGenetics, part of Exact Sciences
Classification: Uncertain significance for SMARCA4-related condition. Last evaluated: 2026-03-10. Review status: criteria provided, single submitter. Criteria: ACMG Guidelines, 2015. Collection method: clinical testing. Allele origin: germline.
Comment: The SMARCA4 c.859+5G>A variant is predicted to interfere with splicing. This variant has been reported in an individual with family history of pancreatic cancer and referred for cancer genetic counseling (Table S4, Zhu et al. 2021. PubMed ID: 33939675). This variant is reported in 0.0045% of alleles in individuals of European (Non-Finnish) descent in gnomAD and has conflicting interpretations ranging from uncertain significance to likely benign in ClinVar (Variation ID: 470464). At this time, the clinical significance of this variant is uncertain due to the absence of conclusive functional and genetic evidence.

Labcorp Genetics (formerly Invitae), Labcorp
Classification: Uncertain significance for Rhabdoid tumor predisposition syndrome 2. Last evaluated: 2025-12-15. Review status: criteria provided, single submitter. Criteria: Invitae Variant Classification Sherloc (09022015). Collection method: clinical testing. Allele origin: germline.
Comment: This sequence change falls in intron 5 of the SMARCA4 gene. It does not directly change the encoded amino acid sequence of the SMARCA4 protein. It affects a nucleotide within the consensus splice site. This variant is present in population databases (rs367781236, gnomAD 0.005%). This variant has not been reported in the literature in individuals affected with SMARCA4-related conditions. ClinVar contains an entry for this variant (Variation ID: 470464). Variants that disrupt the consensus splice site are a relatively common cause of aberrant splicing (PMID: 17576681, 9536098). Studies have shown that this variant is associated with inconclusive levels of altered splicing (internal data). In summary, the available evidence is currently insufficient to determine the role of this variant in disease. Therefore, it has been classified as a Variant of Uncertain Significance.

Quest Diagnostics Nichols Institute San Juan Capistrano
Classification: Uncertain significance. Last evaluated: 2025-01-02. Review status: criteria provided, single submitter. Criteria: Quest Diagnostics criteria. Collection method: clinical testing. Allele origin: unknown.
Comment: The SMARCA4 c.859+5G>A variant has not been reported in individuals with SMARCA4-related conditions in the published literature. The frequency of this variant in the general population (Genome Aggregation Database) is higher than would generally be expected for pathogenic variants in this gene. Analysis of this variant using software algorithms for the prediction of the effect of nucleotide changes on splicing yielded predictions that this variant may affect proper SMARCA4 mRNA splicing. Based on the available information, we are unable to determine the clinical significance of this variant.

Blueprint Genetics
Classification: Uncertain significance. Last evaluated: 2023-05-16. Review status: criteria provided, single submitter. Criteria: ACMG Guidelines, 2015. Collection method: clinical testing. Allele origin: germline.

Sema4
Classification: Uncertain significance for Hereditary cancer-predisposing syndrome. Last evaluated: 2021-12-20. Review status: criteria provided, single submitter. Criteria: Sema4 Curation Guidelines. Collection method: curation. Allele origin: germline.
Comment: The SMARCA4 c.859+5G>A variant has not been reported in the literature to our knowledge. It was observed in 5/111794 chromosomes in the Non-Finnish European subpopulation in the large and broad cohorts of the Genome Aggregation Database (PMID: 32461654). This variant has been reported in ClinVar (Variation ID: 470464). The evidence is insufficient to meet ACMG/AMP criteria for classifying the variant as benign or pathogenic. Thus, the clinical significance of this variant is currently uncertain.

Genome-Nilou Lab
Classification: Uncertain significance for Intellectual disability, autosomal dominant 16. Last evaluated: 2021-07-15. Review status: criteria provided, single submitter. Criteria: ACMG Guidelines, 2015. Collection method: clinical testing. Allele origin: germline. Affected: no.

GeneDx
Classification: Uncertain significance. Last evaluated: 2021-06-11. Review status: criteria provided, single submitter. Criteria: GeneDx Variant Classification Process June 2021. Collection method: clinical testing. Allele origin: germline. Affected: yes.
Comment: Has not been previously published as pathogenic or benign to our knowledge; In silico analysis supports a deleterious effect on splicing; This variant is associated with the following publications: (PMID: 27535533)

Ambry Genetics
Classification: Likely benign for Hereditary cancer-predisposing syndrome. Last evaluated: 2019-05-29. Review status: criteria provided, single submitter. Criteria: Ambry Variant Classification Scheme 2023. Collection method: clinical testing. Allele origin: germline.

Literature cited by the submitters: PubMed 17576681 (cited by Labcorp Genetics (formerly Invitae), Labcorp); PubMed 9536098 (cited by Labcorp Genetics (formerly Invitae), Labcorp).